The following is an entry in ClinVar:

NM_006766.5(KAT6A):c.4361dup (p.Thr1455fs)

Gene: KAT6A (lysine acetyltransferase 6A; minus strand). Cytogenetic location: 8p11.21.
Variant type: Duplication.
Coding change: c.4361dup on transcript NM_006766.5 (MANE Select); coding-DNA position 4361, one base duplicated (A; older notation c.4361dupA).
Protein change: p.Thr1455fs; shifts the reading frame from threonine 1455.
Molecular consequence: frameshift variant.
Genome position (GRCh38, 1-based): chr8:41,933,859, T duplicated on the plus strand (A on the coding strand, the reverse complement: KAT6A is on the minus strand). VCF-style (leftmost placement, unchanged base first): chr8-41933858-C-CT. GRCh37 (hg19) VCF-style: chr8-41791376-C-CT.
Other names: short protein forms T1455fs.
Identifiers: ClinVar variation 419571 (VCV000419571.2), dbSNP rs1554679835, ClinGen allele CA16618638.

ClinVar aggregate classification (germline): Pathogenic (1 of 4 stars; one submission).

Submission:

GeneDx
Classification: Pathogenic. Last evaluated: 2015-08-22. Review status: criteria provided, single submitter. Criteria: GeneDx Variant Classification (06012015). Collection method: clinical testing. Allele origin: germline. Affected: yes.
Comment: The c.4361dupA duplication in the KAT6A gene has not been reported previously as a pathogenic variantnor as a benign polymorphism, to our knowledge. The c.4361dupA duplication causes a frameshift starting withcodon Threonine 1455, changes this amino acid to an Aspartic acid residue, and creates a premature stopcodon at position 9 of the new reading frame, denoted p.Thr1455AspfsX9. This variant is predicted tocause loss of normal protein function through protein truncation and is expected to alter the normal structureand function of the resultant protein. The c.4361dupA duplication was not observed in approximately 6,500individuals of European and African American ancestry in the NHLBI Exome Sequencing Project, indicating itis not a common benign variant in these populations. We interpret c.4361dupA as a pathogenic variant.